The following is an entry in ClinVar:

ClinVar aggregate classification (germline): Uncertain significance. Review status: criteria provided, multiple submitters, no conflicts (2 of 4 stars). 2 submissions from 2 submitters: Uncertain significance (2). Last evaluated 2025-04-13.

Conditions:
Inborn genetic diseases. Identifiers: MedGen C0950123, MeSH D030342.

Submissions (2):

Ambry Genetics
Classification: Uncertain significance for Inborn genetic diseases. Last evaluated: 2025-04-13. Review status: criteria provided, single submitter. Criteria: Ambry Variant Classification Scheme 2023. Collection method: clinical testing. Allele origin: germline.

GeneDx
Classification: Uncertain significance. Last evaluated: 2024-03-26. Review status: criteria provided, single submitter. Criteria: GeneDx Variant Classification Process June 2021. Collection method: clinical testing. Allele origin: germline. Affected: yes.
Comment: Has not been previously published as pathogenic or benign to our knowledge; In silico analysis supports that this missense variant has a deleterious effect on protein structure/function

NM_173483.4(CYP4F22):c.169C>T (p.Arg57Cys)

Gene: CYP4F22 (cytochrome P450 family 4 subfamily F member 22; plus strand). Cytogenetic location: 19p13.12.
Variant type: single nucleotide variant.
Coding change: c.169C>T on transcript NM_173483.4 (MANE Select); coding-DNA position 169, C replaced by T.
Protein change: p.Arg57Cys; replaces arginine 57 with cysteine.
Molecular consequence: missense variant.
Genome position (GRCh38, 1-based): chr19:15,525,505, C>T. VCF-style: chr19-15525505-C-T. GRCh37 (hg19) VCF-style: chr19-15636316-C-T.
Other names: short protein forms R57C.
Identifiers: ClinVar variation 3371424 (VCV003371424.2).
Genomic context (GRCh38, chr19:15,525,505, plus strand): 5'-CGCCTGCTGCTGCGGTTCCTGAGGCTCTGCAGGAGCTTCTACATCACCTGCCGCCGGCTG[C>T]GCTGCTTCCCCCAGCCTCCCCGGCGCAACTGGCTGCTGGGCCACCTGGGCATGGTAAGTG-3'
Protein context (NP_775754.2, residues 47-67): RSFYITCRRL[Arg57Cys]CFPQPPRRNW